The following is an entry in ClinVar:

ClinVar aggregate classification (germline): Conflicting classifications of pathogenicity. Review status: criteria provided, conflicting classifications (1 of 4 stars). 2 submissions from 2 submitters: Uncertain significance (1); Likely benign (1). Last evaluated 2026-05-12.

Conditions:
Neurofibromatosis, type 1 (NF1). Also called: Neurofibromatosis, type I; NEUROFIBROMATOSIS, TYPE I, SOMATIC; Peripheral type neurofibromatosis; VON RECKLINGHAUSEN DISEASE. Identifiers: Orphanet 636, MedGen C0027831, MONDO:0018975, OMIM 162200. Disease mechanism: loss of function.

Submissions (2):

Myriad Genetics, Inc.
Classification: Likely benign for Neurofibromatosis, type 1. Last evaluated: 2026-05-12. Review status: criteria provided, single submitter. Criteria: Myriad Autosomal Dominant, Autosomal Recessive and X-Linked Classification Criteria (2023). Collection method: clinical testing. Allele origin: unknown.
Comment: This variant is considered likely benign. This variant is intronic and is not expected to impact mRNA splicing.

Labcorp Genetics (formerly Invitae), Labcorp
Classification: Uncertain significance for Neurofibromatosis, type 1. Last evaluated: 2022-06-10. Review status: criteria provided, single submitter. Criteria: Invitae Variant Classification Sherloc (09022015). Collection method: clinical testing. Allele origin: germline.
Comment: This sequence change falls in intron 17 of the NF1 gene. It does not directly change the encoded amino acid sequence of the NF1 protein. It affects a nucleotide within the consensus splice site. This variant is not present in population databases (gnomAD no frequency). In summary, the available evidence is currently insufficient to determine the role of this variant in disease. Therefore, it has been classified as a Variant of Uncertain Significance. Variants that disrupt the consensus splice site are a relatively common cause of aberrant splicing (PMID: 17576681, 9536098). Algorithms developed to predict the effect of sequence changes on RNA splicing suggest that this variant may disrupt the consensus splice site. This variant has not been reported in the literature in individuals affected with NF1-related conditions.

Literature cited by the submitters: PubMed 17576681 (cited by Labcorp Genetics (formerly Invitae), Labcorp); PubMed 9536098 (cited by Labcorp Genetics (formerly Invitae), Labcorp).

NM_001042492.3(NF1):c.2001+6C>T

Gene: NF1 (neurofibromin 1; plus strand). Cytogenetic location: 17q11.2.
Variant type: single nucleotide variant.
Coding change: c.2001+6C>T on transcript NM_001042492.3 (MANE Select); 6 bases into the intron after coding-DNA position 2001, C replaced by T.
Molecular consequence: intron variant.
Genome position (GRCh38, 1-based): chr17:31,225,256, C>T. VCF-style: chr17-31225256-C-T. GRCh37 (hg19) VCF-style: chr17-29552274-C-T.
Other names: c.2001+6C>T (NM_000267.4).
Identifiers: ClinVar variation 1937547 (VCV001937547.6), dbSNP rs2144028116, ClinGen allele CA2580093116.